The following is an entry in ClinVar:

NM_014956.5(CEP164):c.1325A>G (p.Gln442Arg)

Gene: CEP164 (centrosomal protein 164; plus strand). Cytogenetic location: 11q23.3.
Variant type: single nucleotide variant.
Coding change: c.1325A>G on transcript NM_014956.5 (MANE Select); coding-DNA position 1325, A replaced by G.
Protein change: p.Gln442Arg; replaces glutamine 442 with arginine.
Molecular consequence: missense variant.
Genome position (GRCh38, 1-based): chr11:117,380,621, A>G. VCF-style: chr11-117380621-A-G. GRCh37 (hg19) VCF-style: chr11-117251337-A-G.
Other names: c.1325A>G, p.Gln442Arg (NM_001271933.2); c.1325A>G (NM_014956.4); short protein forms Q442R.
Identifiers: ClinVar variation 3599039 (VCV003599039.2).

ClinVar aggregate classification (germline): Uncertain significance. Review status: criteria provided, multiple submitters, no conflicts (2 of 4 stars). 2 submissions from 2 submitters: Uncertain significance (2). Last evaluated 2026-04-19.

Conditions:
CEP164-related disorder. Also called: CEP164-related condition.
Nephronophthisis 15 (NPHP15). Identifiers: Orphanet 3156, MedGen C3541853, MONDO:0013917, OMIM 614845.

Submissions (2):

PreventionGenetics, part of Exact Sciences
Classification: Uncertain significance for CEP164-related condition. Last evaluated: 2026-04-19. Review status: criteria provided, single submitter. Criteria: ACMG Guidelines, 2015. Collection method: clinical testing. Allele origin: germline.
Comment: The CEP164 c.1325A>G variant is predicted to result in the amino acid substitution p.Gln442Arg. To our knowledge, this variant has not been reported in the literature. This variant is reported in 0.0070% of alleles in individuals of African descent in gnomAD. At this time, the clinical significance of this variant is uncertain due to the absence of conclusive functional and genetic evidence.

Fulgent Genetics
Classification: Uncertain significance for Nephronophthisis 15. Last evaluated: 2024-06-18. Review status: criteria provided, single submitter. Criteria: ACMG Guidelines, 2015. Collection method: clinical testing. Allele origin: germline.